The following is an entry in ClinVar:

ClinVar aggregate classification (germline): Benign/Likely benign. Review status: criteria provided, multiple submitters, no conflicts (2 of 4 stars). 6 submissions from 6 submitters: Benign (2); Likely benign (3). 1 of the submissions does not count toward it. Last evaluated 2026-02-03.

Conditions:
LZTR1-related disorder. Also called: LZTR1-related disorders; LZTR1-related condition.
Cardiovascular phenotype. Identifiers: MedGen CN230736.
Hereditary cancer-predisposing syndrome. Also called: Tumor predisposition; Neoplastic Syndromes, Hereditary; Hereditary neoplastic syndrome; Hereditary Cancer Syndrome. Identifiers: Orphanet 140162, MedGen C0027672, MeSH D009386, MONDO:0015356.

Allele frequency attached by ClinVar (database versions not stated): 1000 Genomes Project 30x 0.00031; 1000 Genomes Project 0.00040; gnomAD 0.00084 and 0.00090; ESP Exome Variant Server 0.00093; TOPMed 0.00093.
gnomAD v4.1: 308 of 1,572,018 alleles (0.02%); highest among the groups gnomAD compares: African/African-American, 0.26%; 1 homozygote.

Submissions (6):

Labcorp Genetics (formerly Invitae), Labcorp
Classification: Likely benign. Last evaluated: 2026-02-03. Review status: criteria provided, single submitter. Criteria: Invitae Variant Classification Sherloc (09022015). Collection method: clinical testing. Allele origin: germline.

Ambry Genetics
Classification: Benign for Cardiovascular phenotype; Hereditary cancer-predisposing syndrome. Last evaluated: 2025-06-16. Review status: criteria provided, single submitter. Criteria: Ambry Variant Classification Scheme 2023. Collection method: clinical testing. Allele origin: germline.

Blueprint Genetics
Classification: Likely benign. Last evaluated: 2024-11-28. Review status: criteria provided, single submitter. Criteria: ACMG Guidelines, 2015. Collection method: clinical testing. Allele origin: germline.

GeneDx
Classification: Likely benign. Last evaluated: 2020-11-20. Review status: criteria provided, single submitter. Criteria: GeneDx Variant Classification Process June 2021. Collection method: clinical testing. Allele origin: germline. Affected: yes.

Women's Health and Genetics/Laboratory Corporation of America, LabCorp
Classification: Benign. Last evaluated: 2020-11-14. Review status: criteria provided, single submitter. Criteria: LabCorp Variant Classification Summary - May 2015. Collection method: clinical testing. Allele origin: germline.

PreventionGenetics, part of Exact Sciences
Classification: Likely benign for LZTR1-related condition. Last evaluated: 2019-11-22. Review status: no assertion criteria provided. Collection method: clinical testing. Allele origin: germline. Not counted in ClinVar's aggregate classification.
Comment: This variant is classified as likely benign based on ACMG/AMP sequence variant interpretation guidelines (Richards et al. 2015 PMID: 25741868, with internal and published modifications).

NM_006767.4(LZTR1):c.906G>A (p.Ala302=)

Gene: LZTR1 (leucine zipper like post translational regulator 1; plus strand). Cytogenetic location: 22q11.21.
Variant type: single nucleotide variant.
Coding change: c.906G>A on transcript NM_006767.4 (MANE Select); coding-DNA position 906, G replaced by A.
Protein change: p.Ala302=; no amino-acid change (alanine 302 retained).
Molecular consequence: synonymous variant.
Genome position (GRCh38, 1-based): chr22:20,991,742, G>A. VCF-style: chr22-20991742-G-A. GRCh37 (hg19) VCF-style: chr22-21346031-G-A.
Identifiers: ClinVar variation 391996 (VCV000391996.20), dbSNP rs143128466, ClinGen allele CA10118660.